The following is an entry in ClinVar:

ClinVar aggregate classification (germline): Uncertain significance (1 of 4 stars; one submission).

Submission:

Labcorp Genetics (formerly Invitae), Labcorp
Classification: Uncertain significance. Last evaluated: 2024-07-23. Review status: criteria provided, single submitter. Criteria: Invitae Variant Classification Sherloc (09022015). Collection method: clinical testing. Allele origin: germline.
Comment: This sequence change replaces arginine, which is basic and polar, with leucine, which is neutral and non-polar, at codon 48 of the COL11A2 protein (p.Arg48Leu). This variant is not present in population databases (gnomAD no frequency). This variant has not been reported in the literature in individuals affected with COL11A2-related conditions. ClinVar contains an entry for this variant (Variation ID: 1991977). Advanced modeling of protein sequence and biophysical properties (such as structural, functional, and spatial information, amino acid conservation, physicochemical variation, residue mobility, and thermodynamic stability) performed at Invitae indicates that this missense variant is not expected to disrupt COL11A2 protein function with a negative predictive value of 95%. In summary, the available evidence is currently insufficient to determine the role of this variant in disease. Therefore, it has been classified as a Variant of Uncertain Significance.

NM_080680.3(COL11A2):c.143G>T (p.Arg48Leu)

Gene: COL11A2 (collagen type XI alpha 2 chain; minus strand). Cytogenetic location: 6p21.32.
Variant type: single nucleotide variant.
Coding change: c.143G>T on transcript NM_080680.3 (MANE Select); coding-DNA position 143, G replaced by T.
Protein change: p.Arg48Leu; replaces arginine 48 with leucine.
Molecular consequence: missense variant.
Genome position (GRCh38, 1-based): chr6:33,189,409, C>A on the plus strand (G>T on the coding strand, the complement: COL11A2 is on the minus strand). VCF-style: chr6-33189409-C-A. GRCh37 (hg19) VCF-style: chr6-33157186-C-A.
Other names: c.143G>T, p.Arg48Leu (NM_001163771.2, NM_080679.3, NM_080681.3); short protein forms R48L.
Identifiers: ClinVar variation 1991977 (VCV001991977.4), dbSNP rs760502556, ClinGen allele CA137054273.
Genomic context (GRCh38, chr6:33,189,409, plus strand): 5'-AGCTGGGCAGGTCGTGCCACTCGGTAGGCCACATCAGCTGGACAGATGCCTTTCGCTCTC[C>A]GGACACCATCAGGGAGGGAGGGGAACCTCAGGGCCCGGAGCACATCCACAGGGGGTGCAC-3'
Protein context (NP_542411.2, residues 38-58): LRFPSLPDGV[Arg48Leu]RAKGICPADV